The following is an entry in ClinVar:

NM_015374.3(SUN2):c.306GAG[2] (p.Arg105del)

Gene: SUN2 (Sad1 and UNC84 domain containing 2; minus strand). Cytogenetic location: 22q13.1.
Variant type: Microsatellite.
Coding change: c.306GAG[2] on transcript NM_015374.3 (MANE Select); two copies in a row of the 3-base unit GAG starting at c.306; the reference has three copies in a row; one copy, 3 bases deleted.
Protein change: p.Arg105del; deletes arginine 105.
Molecular consequence: inframe deletion.
Genome position (GRCh38, 1-based): chr22:38,751,008-38,751,010, CTC deleted on the plus strand (GAG on the coding strand, the reverse complement: SUN2 is on the minus strand); deleting any 3 consecutive bases within chr22:38,751,008-38,751,017 gives the same sequence; the position shown is the placement nearest the transcript's 3' end. VCF-style (leftmost placement, unchanged base first): chr22-38751007-TCTC-T. GRCh37 (hg19) VCF-style: chr22-39147012-TCTC-T.
Other names: c.306GAG[2], p.Arg105del (NM_001199579.2, NM_001199580.2); short protein forms R105del.
Identifiers: ClinVar variation 851745 (VCV000851745.9), dbSNP rs774003824, ClinGen allele CA10235984.

ClinVar aggregate classification (germline): Uncertain significance (1 of 4 stars; one submission).

Conditions:
Emery-Dreifuss muscular dystrophy (EDMD). Also called: Scapuloperoneal syndrome, X-linked (formerly); Humeroperoneal neuromuscular disease, (formerly). Identifiers: Orphanet 261, MedGen C0410189, MONDO:0016830.

Submission:

Labcorp Genetics (formerly Invitae), Labcorp
Classification: Uncertain significance for Emery-Dreifuss muscular dystrophy. Last evaluated: 2024-12-26. Review status: criteria provided, single submitter. Criteria: Invitae Variant Classification Sherloc (09022015). Collection method: clinical testing. Allele origin: germline.
Comment: This variant, c.312_314del, results in the deletion of 1 amino acid(s) of the SUN2 protein (p.Arg105del), but otherwise preserves the integrity of the reading frame. This variant is present in population databases (rs774003824, gnomAD 0.08%), and has an allele count higher than expected for a pathogenic variant. This variant has not been reported in the literature in individuals affected with SUN2-related conditions. ClinVar contains an entry for this variant (Variation ID: 851745). Experimental studies and prediction algorithms are not available or were not evaluated, and the functional significance of this variant is currently unknown. In summary, the available evidence is currently insufficient to determine the role of this variant in disease. Therefore, it has been classified as a Variant of Uncertain Significance.